The following is an entry in ClinVar:

ClinVar aggregate classification (germline): Uncertain significance (1 of 4 stars; one submission).

Conditions:
Fanconi anemia (FA). Also called: Fanconi's anemia. Identifiers: Orphanet 84, MedGen C0015625, MeSH D005199, MONDO:0019391.

Submission:

Labcorp Genetics (formerly Invitae), Labcorp
Classification: Uncertain significance for Fanconi anemia. Last evaluated: 2021-09-25. Review status: criteria provided, single submitter. Criteria: Invitae Variant Classification Sherloc (09022015). Collection method: clinical testing. Allele origin: germline.
Comment: In summary, the available evidence is currently insufficient to determine the role of this variant in disease. Therefore, it has been classified as a Variant of Uncertain Significance. Algorithms developed to predict the effect of missense changes on protein structure and function (SIFT, PolyPhen-2, Align-GVGD) all suggest that this variant is likely to be tolerated. This variant has not been reported in the literature in individuals affected with FANCA-related conditions. This variant is not present in population databases (ExAC no frequency). This sequence change replaces serine with threonine at codon 1094 of the FANCA protein (p.Ser1094Thr). The serine residue is weakly conserved and there is a small physicochemical difference between serine and threonine.

NM_000135.4(FANCA):c.3281G>C (p.Ser1094Thr)

Gene: FANCA (FA complementation group A; minus strand). Cytogenetic location: 16q24.3.
Variant type: single nucleotide variant.
Coding change: c.3281G>C on transcript NM_000135.4 (MANE Select); coding-DNA position 3281, G replaced by C.
Protein change: p.Ser1094Thr; replaces serine 1094 with threonine.
Molecular consequence: missense variant.
Genome position (GRCh38, 1-based): chr16:89,748,726, C>G on the plus strand (G>C on the coding strand, the complement: FANCA is on the minus strand). VCF-style: chr16-89748726-C-G. GRCh37 (hg19) VCF-style: chr16-89815134-C-G.
Other names: c.3281G>C, p.Ser1094Thr (NM_001286167.3); short protein forms S1094T.
Identifiers: ClinVar variation 937872 (VCV000937872.7), dbSNP rs946572285, ClinGen allele CA397486329.
Genomic context (GRCh38, chr16:89,748,726, plus strand): 5'-GAGTTGACCAAGTGGAAGAACTGCTCGCATCTGGCAGTGATGGGCTGTTCTGCCTGGAAG[C>G]TGCTGCCGCAGAGGACAGACGAAGGCAGGCGGAGGAGGATCCTGGAAAGAAGGGGCTGTA-3'
Protein context (NP_000126.2, residues 1084-1104): RLPSSVLCGS[Ser1094Thr]FQAEQPITAR